The following is an entry in ClinVar:

ClinVar aggregate classification (germline): Pathogenic. Review status: criteria provided, multiple submitters, no conflicts (2 of 4 stars). 8 submissions from 8 submitters: Pathogenic (5). 3 of the submissions do not count toward it. Last evaluated 2025-12-10.

Conditions:
Ornithine carbamoyltransferase deficiency (OTCD). Also called: OTC DEFICIENCY; Ornithine Carbamoyltransferase Deficiency Disease; ORNITHINE TRANSCARBAMYLASE DEFICIENCY; ORNITHINE TRANSCARBAMYLASE DEFICIENCY, HYPERAMMONEMIA DUE TO. Identifiers: Orphanet 664, MedGen C0268542, MONDO:0010703, OMIM 311250.

Submissions (8):

Labcorp Genetics (formerly Invitae), Labcorp
Classification: Pathogenic for Ornithine carbamoyltransferase deficiency. Last evaluated: 2025-12-10. Review status: criteria provided, single submitter. Criteria: Invitae Variant Classification Sherloc (09022015). Collection method: clinical testing. Allele origin: germline.
Comment: This sequence change replaces alanine, which is neutral and non-polar, with valine, which is neutral and non-polar, at codon 209 of the OTC protein (p.Ala209Val). This variant is not present in population databases (gnomAD no frequency). This missense change has been observed in individual(s) with ornithine transcarbamylase deficiency (PMID: 8530002, 8807340, 9286441, 10070627, 12536032, 25433810). In at least one individual the variant was observed to be de novo. ClinVar contains an entry for this variant (Variation ID: 97275). Invitae Evidence Modeling of protein sequence and biophysical properties (such as structural, functional, and spatial information, amino acid conservation, physicochemical variation, residue mobility, and thermodynamic stability) indicates that this missense variant is expected to disrupt OTC protein function with a positive predictive value of 95%. Experimental studies have shown that this missense change affects OTC function (PMID: 8807340, 11793468). For these reasons, this variant has been classified as Pathogenic.

Department of Molecular Genetics, Istishari Arab Hospital
Classification: Pathogenic for Ornithine carbamoyltransferase deficiency. Last evaluated: 2025-08-25. Review status: criteria provided, single submitter. Criteria: ACMG Guidelines, 2015. Collection method: clinical testing. Allele origin: maternal. Inheritance: X-linked inheritance. Affected: yes.
Comment: The OTC variant c.626C>T, p.Ala209Val causes an amino acid change from Ala to Val at position 209. This variant was previously reported in patients with ornithine transcarbamylase deficiency (PMID: 12536032, 11793468, 10070627, and many others). It is classified as pathogenic based on ACMG/AMP/ClinGen SVI guidelines.

Genome-Nilou Lab
Classification: Pathogenic for Ornithine carbamoyltransferase deficiency. Last evaluated: 2021-11-07. Review status: criteria provided, single submitter. Criteria: ACMG Guidelines, 2015. Collection method: clinical testing. Allele origin: germline. Affected: no.

Women's Health and Genetics/Laboratory Corporation of America, LabCorp
Classification: Pathogenic for Ornithine carbamoyltransferase deficiency. Last evaluated: 2021-04-12. Review status: criteria provided, single submitter. Criteria: LabCorp Variant Classification Summary - May 2015. Collection method: clinical testing. Allele origin: germline.
Comment: Variant summary: OTC c.626C>T (p.Ala209Val) results in a non-conservative amino acid change located in the Aspartate/ornithine carbamoyltransferase, Asp/Orn-binding domain (IPR006131) of the encoded protein sequence. Four of five in-silico tools predict a damaging effect of the variant on protein function. The variant was absent in 183102 control chromosomes. c.626C>T has been reported in the literature in multiple individuals affected with Ornithine Transcarbamylase Deficiency (e.g. Garcia-Perez_1995, Gilbert-Dussardier_1996, Popowska_1999, Kurihara_2003, Martin-Hernandez_2014, Zhou_2020). These data indicate that the variant is very likely to be associated with disease. Several publications report experimental evidence indicating severely reduced OTC enzyme activity in patient cells with the variant (e.g. Garcia-Perez_1995, Gilbert-Dussardier_1996). One other clinical diagnostic laboratory has submitted clinical-significance assessments for this variant to ClinVar after 2014 without evidence for independent evaluation and cited the variant as pathogenic. Based on the evidence outlined above, the variant was classified as pathogenic.

CeGaT Center for Human Genetics Tuebingen
Classification: Pathogenic. Last evaluated: 2021-04-01. Review status: criteria provided, single submitter. Criteria: CeGaT Center For Human Genetics Tuebingen Variant Classification Criteria Version 2. Collection method: clinical testing. Allele origin: germline. Affected: yes. Observed: 1 variant allele.

Clinical Laboratory Sciences Program (CLSP), King Saud bin Abdulaziz University for Health Sciences (KSAU-HS)
Classification: Pathogenic for Ornithine carbamoyltransferase deficiency. Last evaluated: 2023-04-01. Review status: no assertion criteria provided. Collection method: clinical testing. Allele origin: germline. Affected: yes. Not counted in ClinVar's aggregate classification.

Genetics and Genomic Medicine Centre, NeuroGen Healthcare, NeuroGen Healthcare
Classification: Likely pathogenic. Last evaluated: 2022-05-29. Review status: no assertion criteria provided. Collection method: clinical testing. Allele origin: unknown. Affected: yes. Not counted in ClinVar's aggregate classification.

GenMed Metabolism Lab
Classification: Pathogenic. Review status: no assertion criteria provided. Collection method: not provided. Allele origin: unknown. Not counted in ClinVar's aggregate classification.
Comment: p.Ala209Val, Neonatal
ClinVar note: Converted during submission from pathogenic to Pathogenic.

Literature cited by the submitters: PubMed 8530002 (cited by Labcorp Genetics (formerly Invitae), Labcorp and Women's Health and Genetics/Laboratory Corporation of America, LabCorp); PubMed 8807340 (cited by Labcorp Genetics (formerly Invitae), Labcorp and Women's Health and Genetics/Laboratory Corporation of America, LabCorp); PubMed 9286441 (cited by Labcorp Genetics (formerly Invitae), Labcorp); PubMed 10070627 (cited by 3 submitters); PubMed 12536032 (cited by 3 submitters); PubMed 25433810 (cited by Labcorp Genetics (formerly Invitae), Labcorp and Women's Health and Genetics/Laboratory Corporation of America, LabCorp); PubMed 11793468 (cited by Labcorp Genetics (formerly Invitae), Labcorp and Department of Molecular Genetics, Istishari Arab Hospital); PubMed 9686344 (cited by Women's Health and Genetics/Laboratory Corporation of America, LabCorp); PubMed 32934962 (cited by Women's Health and Genetics/Laboratory Corporation of America, LabCorp).

NM_000531.6(OTC):c.626C>T (p.Ala209Val)

Gene: OTC (ornithine transcarbamylase; plus strand). Cytogenetic location: Xp11.4.
Variant type: single nucleotide variant.
Coding change: c.626C>T on transcript NM_000531.6 (MANE Select); coding-DNA position 626, C replaced by T.
Protein change: p.Ala209Val; replaces alanine 209 with valine.
Molecular consequence: missense variant.
Genome position (GRCh38, 1-based): chrX:38,403,703, C>T. VCF-style: chrX-38403703-C-T. GRCh37 (hg19) VCF-style: chrX-38262956-C-T.
Other names: short protein forms A209V.
Identifiers: ClinVar variation 97275 (VCV000097275.60), dbSNP rs72558417, ClinGen allele CA224717.